The following is an entry in ClinVar:

ClinVar aggregate classification (germline): Uncertain significance. Review status: criteria provided, multiple submitters, no conflicts (2 of 4 stars). 2 submissions from 2 submitters: Uncertain significance (2). Last evaluated 2025-01-15.

Conditions:
Noonan syndrome 9 (NS9). Identifiers: Orphanet 648, MedGen C4225282, MONDO:0014691, OMIM 616559.

Allele frequency attached by ClinVar (database versions not stated): TOPMed below 0.00001.

Submissions (2):

Labcorp Genetics (formerly Invitae), Labcorp
Classification: Uncertain significance for Noonan syndrome 9. Last evaluated: 2025-01-15. Review status: criteria provided, single submitter. Criteria: Invitae Variant Classification Sherloc (09022015). Collection method: clinical testing. Allele origin: germline.
Comment: This sequence change creates a premature translational stop signal (p.Tyr1310*) in the SOS2 gene. While this is not anticipated to result in nonsense mediated decay, it is expected to disrupt the last 23 amino acid(s) of the SOS2 protein. This variant is not present in population databases (gnomAD no frequency). This variant has not been reported in the literature in individuals affected with SOS2-related conditions. ClinVar contains an entry for this variant (Variation ID: 1388134). Experimental studies and prediction algorithms are not available or were not evaluated, and the functional significance of this variant is currently unknown. In summary, the available evidence is currently insufficient to determine the role of this variant in disease. Therefore, it has been classified as a Variant of Uncertain Significance.

GeneDx
Classification: Uncertain significance. Last evaluated: 2024-12-06. Review status: criteria provided, single submitter. Criteria: GeneDx Variant Classification Process June 2021. Collection method: clinical testing. Allele origin: germline. Affected: yes.
Comment: Nonsense variant predicted to result in protein truncation or nonsense mediated decay in a gene for which loss-of-function is not a known mechanism of disease; Not observed at significant frequency in large population cohorts (gnomAD); Has not been previously published as pathogenic or benign to our knowledge

NM_006939.4(SOS2):c.3930C>G (p.Tyr1310Ter)

Gene: SOS2 (SOS Ras/Rho guanine nucleotide exchange factor 2; minus strand). Cytogenetic location: 14q21.3.
Variant type: single nucleotide variant.
Coding change: c.3930C>G on transcript NM_006939.4 (MANE Select); coding-DNA position 3930, C replaced by G.
Protein change: p.Tyr1310Ter; replaces tyrosine 1310 with a stop codon.
Molecular consequence: nonsense.
Genome position (GRCh38, 1-based): chr14:50,118,413, G>C on the plus strand (C>G on the coding strand, the complement: SOS2 is on the minus strand). VCF-style: chr14-50118413-G-C. GRCh37 (hg19) VCF-style: chr14-50585131-G-C.
Other names: c.3930C>G (NM_006939.2); short protein forms Y1310*.
Identifiers: ClinVar variation 1388134 (VCV001388134.7), dbSNP rs1214781595, ClinGen allele CA389636919.